The following is an entry in ClinVar:

NM_002519.3(NPAT):c.3062A>C (p.His1021Pro)

Gene: NPAT (nuclear protein, coactivator of histone transcription; minus strand). Cytogenetic location: 11q22.3.
Variant type: single nucleotide variant.
Coding change: c.3062A>C on transcript NM_002519.3 (MANE Select); coding-DNA position 3062, A replaced by C.
Protein change: p.His1021Pro; replaces histidine 1021 with proline.
Molecular consequence: missense variant.
Genome position (GRCh38, 1-based): chr11:108,162,129, T>G on the plus strand (A>C on the coding strand, the complement: NPAT is on the minus strand). VCF-style: chr11-108162129-T-G. GRCh37 (hg19) VCF-style: chr11-108032856-T-G.
Other names: c.3062A>C, p.His1021Pro (NM_001321307.1); short protein forms H1021P.
Identifiers: ClinVar variation 1799383 (VCV001799383.2), dbSNP rs2496697808, ClinGen allele CA382511620.

ClinVar aggregate classification (germline): Uncertain significance (1 of 4 stars; one submission).

Submission:

Ambry Genetics
Classification: Uncertain significance. Last evaluated: 2021-11-14. Review status: criteria provided, single submitter. Criteria: Ambry Variant Classification Scheme 2023. Collection method: clinical testing. Allele origin: germline.
Comment: The p.H1021P variant (also known as c.3062A>C), located in coding exon 16 of the NPAT gene, results from an A to C substitution at nucleotide position 3062. The histidine at codon 1021 is replaced by proline, an amino acid with similar properties. This amino acid position is conserved. In addition, this alteration is predicted to be tolerated by in silico analysis. Since supporting evidence is limited at this time, the clinical significance of this alteration remains unclear.